The following is an entry in ClinVar:

NM_000426.4(LAMA2):c.5348T>C (p.Val1783Ala)

Gene: LAMA2 (laminin subunit alpha 2; plus strand). Cytogenetic location: 6q22.33.
Variant type: single nucleotide variant.
Coding change: c.5348T>C on transcript NM_000426.4 (MANE Select); coding-DNA position 5348, T replaced by C.
Protein change: p.Val1783Ala; replaces valine 1783 with alanine.
Molecular consequence: missense variant.
Genome position (GRCh38, 1-based): chr6:129,393,158, T>C. VCF-style: chr6-129393158-T-C. GRCh37 (hg19) VCF-style: chr6-129714303-T-C.
Other names: c.5348T>C, p.Val1783Ala (NM_001079823.2); short protein forms V1783A.
Identifiers: ClinVar variation 1059846 (VCV001059846.6), dbSNP rs999596967, ClinGen allele CA146885864.

ClinVar aggregate classification (germline): Uncertain significance (1 of 4 stars; one submission).

Conditions:
LAMA2-related muscular dystrophy (LAMA2-RD). Also called: Laminin alpha 2-related dystrophy. Identifiers: MedGen C5679788, MONDO:0100228.

Allele frequency attached by ClinVar (database versions not stated): gnomAD 0.00001; TOPMed 0.00002.
gnomAD v4.1: 4 of 1,613,856 alleles (0.00025%); highest among the groups gnomAD compares: African/African-American, 0.004%; no homozygotes.

Submission:

Labcorp Genetics (formerly Invitae), Labcorp
Classification: Uncertain significance for LAMA2-related muscular dystrophy. Last evaluated: 2021-08-30. Review status: criteria provided, single submitter. Criteria: Invitae Variant Classification Sherloc (09022015). Collection method: clinical testing. Allele origin: germline.
Comment: This sequence change replaces valine with alanine at codon 1783 of the LAMA2 protein (p.Val1783Ala). The valine residue is weakly conserved and there is a small physicochemical difference between valine and alanine. This variant is not present in population databases (ExAC no frequency). This variant has not been reported in the literature in individuals affected with LAMA2-related conditions. Algorithms developed to predict the effect of missense changes on protein structure and function are either unavailable or do not agree on the potential impact of this missense change (SIFT: "Deleterious"; PolyPhen-2: "Benign"; Align-GVGD: "Class C0"). In summary, the available evidence is currently insufficient to determine the role of this variant in disease. Therefore, it has been classified as a Variant of Uncertain Significance.